The following is an entry in ClinVar:

ClinVar aggregate classification (germline): Likely benign. Review status: criteria provided, multiple submitters, no conflicts (2 of 4 stars). 5 submissions from 5 submitters: Likely benign (4). 1 of the submissions does not count toward it. Last evaluated 2026-08-01.

Conditions:
VPS13D-related disorder. Also called: VPS13D-related condition.

Allele frequency attached by ClinVar (database versions not stated): 1000 Genomes Project 30x 0.00016; 1000 Genomes Project 0.00020; ExAC 0.00021; gnomAD exomes 0.00022 and 0.00047; ESP Exome Variant Server 0.00031; TOPMed 0.00041; gnomAD 0.00042 and 0.00044.
gnomAD v4.1: 750 of 1,614,026 alleles (0.046%); highest among the groups gnomAD compares: Non-Finnish European, 0.058%; 2 homozygotes.

Submissions (5):

CeGaT Center for Human Genetics Tuebingen
Classification: Likely benign. Last evaluated: 2026-08-01. Review status: criteria provided, single submitter. Criteria: CeGaT Center For Human Genetics Tuebingen Variant Classification Criteria Version 2. Collection method: clinical testing. Allele origin: germline. Affected: yes. Observed: 3 variant alleles.
Comment: VPS13D: BP4, BP7

Labcorp Genetics (formerly Invitae), Labcorp
Classification: Likely benign. Last evaluated: 2025-07-24. Review status: criteria provided, single submitter. Criteria: Invitae Variant Classification Sherloc (09022015). Collection method: clinical testing. Allele origin: germline.

Mayo Clinic Laboratories, Mayo Clinic
Classification: Likely benign. Last evaluated: 2025-02-03. Review status: criteria provided, single submitter. Criteria: ACMG Guidelines, 2015. Collection method: clinical testing. Allele origin: germline. Observed: 2 variant alleles.
Comment: BP4, BP7

Blueprint Genetics
Classification: Likely benign. Last evaluated: 2024-11-25. Review status: criteria provided, single submitter. Criteria: ACMG Guidelines, 2015. Collection method: clinical testing. Allele origin: germline.

PreventionGenetics, part of Exact Sciences
Classification: Likely benign for VPS13D-related condition. Last evaluated: 2019-08-13. Review status: no assertion criteria provided. Collection method: clinical testing. Allele origin: germline. Not counted in ClinVar's aggregate classification.
Comment: This variant is classified as likely benign based on ACMG/AMP sequence variant interpretation guidelines (Richards et al. 2015 PMID: 25741868, with internal and published modifications).

NM_015378.4(VPS13D):c.9090G>A (p.Val3030=)

Gene: VPS13D (vacuolar protein sorting 13 homolog D; plus strand). Cytogenetic location: 1p36.22.
Variant type: single nucleotide variant.
Coding change: c.9090G>A on transcript NM_015378.4 (MANE Select); coding-DNA position 9090, G replaced by A.
Protein change: p.Val3030=; no amino-acid change (valine 3030 retained).
Molecular consequence: synonymous variant.
Genome position (GRCh38, 1-based): chr1:12,348,843, G>A. VCF-style: chr1-12348843-G-A. GRCh37 (hg19) VCF-style: chr1-12408900-G-A.
Other names: p.Val3030=; c.9015G>A, p.Val3005= (NM_018156.4); c.9090G>A (NM_015378.3).
Identifiers: ClinVar variation 1652097 (VCV001652097.35), dbSNP rs200703371, ClinGen allele CA603346.